The following is an entry in ClinVar:

ClinVar aggregate classification (germline): Uncertain significance (1 of 4 stars; one submission).

Allele frequency attached by ClinVar (database versions not stated): ExAC 0.00001; gnomAD exomes 0.00001; TOPMed 0.00003; gnomAD 0.00004.

Submission:

Labcorp Genetics (formerly Invitae), Labcorp
Classification: Uncertain significance. Last evaluated: 2022-03-11. Review status: criteria provided, single submitter. Criteria: Invitae Variant Classification Sherloc (09022015). Collection method: clinical testing. Allele origin: germline.
Comment: Algorithms developed to predict the effect of missense changes on protein structure and function are either unavailable or do not agree on the potential impact of this missense change (SIFT: "Deleterious"; PolyPhen-2: "Probably Damaging"; Align-GVGD: "Class C0"). This variant has not been reported in the literature in individuals affected with SORL1-related conditions. In summary, the available evidence is currently insufficient to determine the role of this variant in disease. Therefore, it has been classified as a Variant of Uncertain Significance. This variant is present in population databases (rs770208417, gnomAD 0.003%). This sequence change replaces threonine, which is neutral and polar, with methionine, which is neutral and non-polar, at codon 1896 of the SORL1 protein (p.Thr1896Met).

NM_003105.6(SORL1):c.5687C>T (p.Thr1896Met)

Gene: SORL1 (sortilin related receptor 1; plus strand). Cytogenetic location: 11q24.1.
Variant type: single nucleotide variant.
Coding change: c.5687C>T on transcript NM_003105.6 (MANE Select); coding-DNA position 5687, C replaced by T.
Protein change: p.Thr1896Met; replaces threonine 1896 with methionine.
Molecular consequence: missense variant.
Genome position (GRCh38, 1-based): chr11:121,618,856, C>T. VCF-style: chr11-121618856-C-T. GRCh37 (hg19) VCF-style: chr11-121489565-C-T.
Other names: short protein forms T1896M.
Identifiers: ClinVar variation 2005953 (VCV002005953.4), dbSNP rs770208417, ClinGen allele CA6330027.